The following is an entry in ClinVar:

NM_006231.4(POLE):c.4795G>T (p.Glu1599Ter)

Gene: POLE (DNA polymerase epsilon, catalytic subunit; minus strand). Cytogenetic location: 12q24.33.
Variant type: single nucleotide variant.
Coding change: c.4795G>T on transcript NM_006231.4 (MANE Select); coding-DNA position 4795, G replaced by T.
Protein change: p.Glu1599Ter; replaces glutamic acid 1599 with a stop codon.
Molecular consequence: nonsense.
Genome position (GRCh38, 1-based): chr12:132,642,663, C>A on the plus strand (G>T on the coding strand, the complement: POLE is on the minus strand). VCF-style: chr12-132642663-C-A. GRCh37 (hg19) VCF-style: chr12-133219249-C-A.
Other names: short protein forms E1599*.
Identifiers: ClinVar variation 1464428 (VCV001464428.8), dbSNP rs2138536072, ClinGen allele CA387378365.

ClinVar aggregate classification (germline): Pathogenic (1 of 4 stars; one submission).

Submission:

Labcorp Genetics (formerly Invitae), Labcorp
Classification: Pathogenic. Last evaluated: 2022-05-12. Review status: criteria provided, single submitter. Criteria: Invitae Variant Classification Sherloc (09022015). Collection method: clinical testing. Allele origin: germline.
Comment: For these reasons, this variant has been classified as Pathogenic. This variant has not been reported in the literature in individuals affected with POLE-related conditions. This variant is not present in population databases (gnomAD no frequency). This sequence change creates a premature translational stop signal (p.Glu1599*) in the POLE gene. It is expected to result in an absent or disrupted protein product. Loss-of-function variants in POLE are known to be pathogenic (PMID: 23230001, 25948378, 30503519).

Literature cited by the submitters: PubMed 23230001; PubMed 25948378; PubMed 30503519.